The following is an entry in ClinVar:

ClinVar aggregate classification (germline): Benign. Review status: criteria provided, multiple submitters, no conflicts (2 of 4 stars). 14 submissions from 11 submitters: Benign (11). 3 of the submissions do not count toward it. Last evaluated 2026-02-03.

Conditions:
Malignant hyperthermia, susceptibility to, 5 (MHS5). Also called: CACNA1S-Related Malignant Hyperthermia Susceptibility. Identifiers: Orphanet 423, MedGen C1866077, MONDO:0011163, OMIM 601887.
Hypokalemic periodic paralysis, type 1. Also called: HypoPP; Hypokalemic Periodic Paralysis Type 1 (AD). Identifiers: Orphanet 681, MedGen C3714580, MONDO:0042979, OMIM 170400.
Congenital myopathy 18. Also called: DIHYDROPYRIDINE RECEPTOR CONGENITAL MYOPATHY; DHPR CONGENITAL MYOPATHY; Myopathy, congenital, due to dihydropyridine receptor defect. Identifiers: MedGen C5830283, MONDO:0859514, OMIM 620246.
Thyrotoxic periodic paralysis, susceptibility to, 1 (TTPP1). Identifiers: Orphanet 79102, MedGen C2749982, MONDO:0008570, OMIM 188580.

Allele frequency attached by ClinVar (database versions not stated): 1000 Genomes Project 0.01478; 1000 Genomes Project 30x 0.01483; TOPMed 0.01857; ESP Exome Variant Server 0.02153; gnomAD 0.02354 and 0.02430; gnomAD exomes 0.02571 and 0.02960; ExAC 0.03024.
gnomAD v4.1: 45,454 of 1,574,482 alleles (2.9%); highest among the groups gnomAD compares: Non-Finnish European, 3.1%; 858 homozygotes.

Submissions (14):

Labcorp Genetics (formerly Invitae), Labcorp
Classification: Benign for Hypokalemic periodic paralysis, type 1; Malignant hyperthermia, susceptibility to, 5. Last evaluated: 2026-02-03. Review status: criteria provided, single submitter. Criteria: Invitae Variant Classification Sherloc (09022015). Collection method: clinical testing. Allele origin: germline.

Genome-Nilou Lab
Classification: Benign for Malignant hyperthermia, susceptibility to, 5. Last evaluated: 2023-04-11. Review status: criteria provided, single submitter. Criteria: ACMG Guidelines, 2015. Collection method: clinical testing. Allele origin: germline. Affected: no.

Genome-Nilou Lab
Classification: Benign for Thyrotoxic periodic paralysis, susceptibility to, 1. Last evaluated: 2023-04-11. Review status: criteria provided, single submitter. Criteria: ACMG Guidelines, 2015. Collection method: clinical testing. Allele origin: germline. Affected: no.

Genome-Nilou Lab
Classification: Benign for Congenital myopathy 18. Last evaluated: 2023-04-11. Review status: criteria provided, single submitter. Criteria: ACMG Guidelines, 2015. Collection method: clinical testing. Allele origin: germline. Affected: no.

Genome-Nilou Lab
Classification: Benign for Hypokalemic periodic paralysis, type 1. Last evaluated: 2023-04-11. Review status: criteria provided, single submitter. Criteria: ACMG Guidelines, 2015. Collection method: clinical testing. Allele origin: germline. Affected: no.

Mayo Clinic Laboratories, Mayo Clinic
Classification: Benign. Last evaluated: 2020-06-04. Review status: criteria provided, single submitter. Criteria: ACMG Guidelines, 2015. Collection method: clinical testing. Allele origin: germline. Observed: 33 variant alleles.

Illumina Laboratory Services, Illumina
Classification: Benign for Hypokalemic periodic paralysis, type 1. Last evaluated: 2018-01-13. Review status: criteria provided, single submitter. Criteria: ICSL Variant Classification Criteria 13 December 2019. Collection method: clinical testing. Allele origin: germline.
Comment: This variant was observed in the ICSL laboratory as part of a predisposition screen in an ostensibly healthy population. It had not been previously curated by ICSL or reported in the Human Gene Mutation Database (HGMD: prior to June 1st, 2018), and was therefore a candidate for classification through an automated scoring system. Utilizing variant allele frequency, disease prevalence and penetrance estimates, and inheritance mode, an automated score was calculated to assess if this variant is too frequent to cause the disease. Based on the score and internal cut-off values, a variant classified as benign is not then subjected to further curation. The score for this variant resulted in a classification of benign for this disease.

Athena Diagnostics
Classification: Benign. Last evaluated: 2017-07-21. Review status: criteria provided, single submitter. Criteria: Athena Diagnostics Criteria. Collection method: clinical testing. Allele origin: germline.

GeneDx
Classification: Benign. Last evaluated: 2016-01-27. Review status: criteria provided, single submitter. Criteria: GeneDx Variant Classification (06012015). Collection method: clinical testing. Allele origin: germline. Affected: yes.
Comment: This variant is considered likely benign or benign based on one or more of the following criteria: it is a conservative change, it occurs at a poorly conserved position in the protein, it is predicted to be benign by multiple in silico algorithms, and/or has population frequency not consistent with disease.

Breakthrough Genomics
Classification: Benign. Review status: criteria provided, single submitter. Criteria: ACMG Guidelines, 2015. Collection method: not provided. Allele origin: germline. Inheritance: Autosomal dominant inheritance. Affected: yes.

PreventionGenetics, part of Exact Sciences
Classification: Benign. Review status: criteria provided, single submitter. Criteria: ACMG Guidelines, 2015. Collection method: clinical testing. Allele origin: germline.

Genome Diagnostics Laboratory, University Medical Center Utrecht
Classification: Likely benign. Review status: no assertion criteria provided. Collection method: clinical testing. Allele origin: germline. Affected: yes. Study: VKGL Data-share Consensus. Not counted in ClinVar's aggregate classification.

Joint Genome Diagnostic Labs from Nijmegen and Maastricht, Radboudumc and MUMC+
Classification: Benign. Review status: no assertion criteria provided. Collection method: clinical testing. Allele origin: germline. Affected: yes. Study: VKGL Data-share Consensus. Not counted in ClinVar's aggregate classification.

Laboratory of Diagnostic Genome Analysis, Leiden University Medical Center (LUMC)
Classification: Likely benign. Review status: no assertion criteria provided. Collection method: clinical testing. Allele origin: germline. Affected: yes. Study: VKGL Data-share Consensus. Not counted in ClinVar's aggregate classification.

NM_000069.3(CACNA1S):c.2063+7G>T

Gene: CACNA1S (calcium voltage-gated channel subunit alpha1 S; minus strand). Cytogenetic location: 1q32.1.
Variant type: single nucleotide variant.
Coding change: c.2063+7G>T on transcript NM_000069.3 (MANE Select); 7 bases into the intron after coding-DNA position 2063, G replaced by T.
Molecular consequence: intron variant.
Genome position (GRCh38, 1-based): chr1:201,074,499, C>A on the plus strand (G>T on the coding strand, the complement: CACNA1S is on the minus strand). VCF-style: chr1-201074499-C-A. GRCh37 (hg19) VCF-style: chr1-201043627-C-A.
Other names: p.?.
Identifiers: ClinVar variation 254810 (VCV000254810.22), dbSNP rs79984703, ClinGen allele CA078779.